The following is an entry in ClinVar:

ClinVar aggregate classification (germline): Uncertain significance (1 of 4 stars; one submission).

Submission:

CeGaT Center for Human Genetics Tuebingen
Classification: Uncertain significance. Last evaluated: 2025-08-01. Review status: criteria provided, single submitter. Criteria: CeGaT Center For Human Genetics Tuebingen Variant Classification Criteria Version 2. Collection method: clinical testing. Allele origin: germline. Affected: yes. Observed: 1 variant allele.
Comment: DCTN1: PM2

NM_004082.5(DCTN1):c.98T>G (p.Val33Gly)

Gene: DCTN1 (dynactin subunit 1; minus strand). Cytogenetic location: 2p13.1.
Variant type: single nucleotide variant.
Coding change: c.98T>G on transcript NM_004082.5 (MANE Select); coding-DNA position 98, T replaced by G.
Protein change: p.Val33Gly; replaces valine 33 with glycine.
Molecular consequence: missense variant. On other transcripts: non-coding transcript variant (1).
Genome position (GRCh38, 1-based): chr2:74,378,181, A>C on the plus strand (T>G on the coding strand, the complement: DCTN1 is on the minus strand). VCF-style: chr2-74378181-A-C. GRCh37 (hg19) VCF-style: chr2-74605308-A-C.
Other names: c.98T>G, p.Val33Gly (NM_001135040.3, NM_001190837.2); c.47T>G, p.Val16Gly (NM_001190836.2, NM_001378991.1, NM_001378992.1); short protein forms V16G, V33G.
Identifiers: ClinVar variation 4085674 (VCV004085674.8).